The following is an entry in ClinVar:

ClinVar aggregate classification (germline): Uncertain significance (1 of 4 stars; one submission).

Submission:

Labcorp Genetics (formerly Invitae), Labcorp
Classification: Uncertain significance. Last evaluated: 2026-01-18. Review status: criteria provided, single submitter. Criteria: Invitae Variant Classification Sherloc (09022015). Collection method: clinical testing. Allele origin: germline.
Comment: This sequence change replaces glutamic acid, which is acidic and polar, with lysine, which is basic and polar, at codon 285 of the GATA5 protein (p.Glu285Lys). Information on the frequency of this variant in the gnomAD database is not available, as this variant may be reported differently in the database. This variant has not been reported in the literature in individuals affected with GATA5-related conditions. Experimental studies and prediction algorithms are not available or were not evaluated, and the functional significance of this variant is currently unknown. In summary, the available evidence is currently insufficient to determine the role of this variant in disease. Therefore, it has been classified as a Variant of Uncertain Significance.

NM_080473.5(GATA5):c.852_853delinsAA (p.Glu285Lys)

Gene: GATA5 (GATA binding protein 5; minus strand). Cytogenetic location: 20q13.33.
Variant type: Indel.
Coding change: c.852_853delinsAA on transcript NM_080473.5 (MANE Select); coding-DNA positions 852 to 853, GG replaced by AA.
Protein change: p.Glu285Lys; replaces glutamic acid 285 with lysine.
Molecular consequence: missense variant.
Genome position (GRCh38, 1-based): chr20:62,465,894-62,465,895, CC replaced by TT on the plus strand (GG replaced by AA on the coding strand, the reverse complement: GATA5 is on the minus strand). VCF-style: chr20-62465894-CC-TT. GRCh37 (hg19) VCF-style: chr20-61040950-CC-TT.
Other names: short protein forms E285K.
Identifiers: ClinVar variation 4711298 (VCV004711298.1).